The following is an entry in ClinVar:

NM_004329.3(BMPR1A):c.207T>C (p.Asp69=)

Gene: BMPR1A (bone morphogenetic protein receptor type 1A; plus strand). Cytogenetic location: 10q23.2.
Variant type: single nucleotide variant.
Coding change: c.207T>C on transcript NM_004329.3 (MANE Select); coding-DNA position 207, T replaced by C.
Protein change: p.Asp69=; no amino-acid change (aspartic acid 69 retained).
Molecular consequence: synonymous variant.
Genome position (GRCh38, 1-based): chr10:86,890,201, T>C. VCF-style: chr10-86890201-T-C. GRCh37 (hg19) VCF-style: chr10-88649958-T-C.
Other names: c.207T>C (NM_004329.2).
Identifiers: ClinVar variation 1578325 (VCV001578325.10), dbSNP rs2133396430, ClinGen allele CA470304588.

ClinVar aggregate classification (germline): Benign/Likely benign. Review status: criteria provided, multiple submitters, no conflicts (2 of 4 stars). 3 submissions from 3 submitters: Benign (1); Likely benign (2). Last evaluated 2025-11-04.

Conditions:
Juvenile polyposis syndrome (JPS). Identifiers: Orphanet 2929, MedGen C0345893, MONDO:0017380, OMIM 174900.
Hereditary cancer-predisposing syndrome. Also called: Neoplastic Syndromes, Hereditary; Hereditary neoplastic syndrome; Hereditary Cancer Syndrome; Tumor predisposition. Identifiers: Orphanet 140162, MedGen C0027672, MeSH D009386, MONDO:0015356.

Submissions (3):

Ambry Genetics
Classification: Likely benign for Hereditary cancer-predisposing syndrome. Last evaluated: 2025-11-04. Review status: criteria provided, single submitter. Criteria: Ambry Variant Classification Scheme 2023. Collection method: clinical testing. Allele origin: germline.

Labcorp Genetics (formerly Invitae), Labcorp
Classification: Likely benign for Juvenile polyposis syndrome. Last evaluated: 2024-08-16. Review status: criteria provided, single submitter. Criteria: Invitae Variant Classification Sherloc (09022015). Collection method: clinical testing. Allele origin: germline.

Myriad Genetics, Inc.
Classification: Benign for Juvenile polyposis syndrome. Last evaluated: 2024-07-31. Review status: criteria provided, single submitter. Criteria: Myriad Autosomal Dominant, Autosomal Recessive and X-Linked Classification Criteria (2023). Collection method: clinical testing. Allele origin: unknown.
Comment: This variant is considered benign. This variant is a silent/synonymous amino acid change and it is not expected to impact splicing.